The following is an entry in ClinVar:

NM_000179.3(MSH6):c.1112A>T (p.Glu371Val)

Gene: MSH6 (mutS homolog 6; plus strand). Cytogenetic location: 2p16.3.
Variant type: single nucleotide variant.
Coding change: c.1112A>T on transcript NM_000179.3 (MANE Select); coding-DNA position 1112, A replaced by T.
Protein change: p.Glu371Val; replaces glutamic acid 371 with valine.
Molecular consequence: missense variant. On other transcripts: non-coding transcript variant (4), intron variant (1).
Genome position (GRCh38, 1-based): chr2:47,799,095, A>T. VCF-style: chr2-47799095-A-T. GRCh37 (hg19) VCF-style: chr2-48026234-A-T.
Other names: c.722A>T, p.Glu241Val (NM_001281492.2); c.206A>T, p.Glu69Val (NM_001281493.2, NM_001281494.2, NM_001406811.1 and 6 more transcripts); c.1208A>T, p.Glu403Val (NM_001406795.1, NM_001406802.1); c.1112A>T, p.Glu371Val (NM_001406796.1, NM_001406798.1, NM_001406800.1 and 4 more transcripts); c.815A>T, p.Glu272Val (NM_001406797.1, NM_001406801.1, NM_001406805.1 and 10 more transcripts); c.587A>T, p.Glu196Val (NM_001406799.1, NM_001406806.1, NM_001406807.1); c.1034A>T, p.Glu345Val (NM_001406804.1); c.1118A>T, p.Glu373Val (NM_001406813.1); and 2 more; short protein forms E315V, E345V, E69V, E196V, E272V, E373V, E403V, E241V.
Identifiers: ClinVar variation 3875094 (VCV003875094.1).

ClinVar aggregate classification (germline): Uncertain significance (1 of 4 stars; one submission).

Conditions:
Hereditary cancer-predisposing syndrome. Also called: Tumor predisposition; Neoplastic Syndromes, Hereditary; Hereditary Cancer Syndrome; Hereditary neoplastic syndrome. Identifiers: Orphanet 140162, MedGen C0027672, MeSH D009386, MONDO:0015356.

Submission:

Ambry Genetics
Classification: Uncertain significance for Hereditary cancer-predisposing syndrome. Last evaluated: 2025-02-19. Review status: criteria provided, single submitter. Criteria: Ambry Variant Classification Scheme 2023. Collection method: clinical testing. Allele origin: germline.
Comment: The p.E371V variant (also known as c.1112A>T), located in coding exon 4 of the MSH6 gene, results from an A to T substitution at nucleotide position 1112. The glutamic acid at codon 371 is replaced by valine, an amino acid with dissimilar properties. This amino acid position is conserved. In addition, this alteration is predicted to be deleterious by in silico analysis. Based on the available evidence, the clinical significance of this variant remains unclear.